The following is an entry in ClinVar:

NM_005045.4(RELN):c.4588+14T>C

Gene: RELN (reelin; minus strand). Cytogenetic location: 7q22.1.
Variant type: single nucleotide variant.
Coding change: c.4588+14T>C on transcript NM_005045.4 (MANE Select); 14 bases into the intron after coding-DNA position 4588, T replaced by C.
Molecular consequence: intron variant.
Genome position (GRCh38, 1-based): chr7:103,572,170, A>G on the plus strand (T>C on the coding strand, the complement: RELN is on the minus strand). VCF-style: chr7-103572170-A-G. GRCh37 (hg19) VCF-style: chr7-103212617-A-G.
Other names: c.4588+14T>C (NM_173054.3).
Identifiers: ClinVar variation 138910 (VCV000138910.18), dbSNP rs362810, ClinGen allele CA293078.

ClinVar aggregate classification (germline): Benign. Review status: criteria provided, multiple submitters, no conflicts (2 of 4 stars). 7 submissions from 7 submitters: Benign (5). 2 of the submissions do not count toward it. Last evaluated 2026-02-03.

Conditions:
Familial temporal lobe epilepsy 7. Identifiers: Orphanet 101046, MedGen C4225327, MONDO:0014639, OMIM 616436.
Norman-Roberts syndrome (LIS2). Also called: Lissencephaly 2 (Norman-Roberts type). Identifiers: Orphanet 89844, MedGen C0796089, MONDO:0009760, OMIM 257320.

Allele frequency attached by ClinVar (database versions not stated): gnomAD exomes 0.01287 and 0.01657; ExAC 0.01806; gnomAD 0.03966 and 0.04203; 1000 Genomes Project 0.04153; ESP Exome Variant Server 0.04299; 1000 Genomes Project 30x 0.04310; TOPMed 0.04419.
gnomAD v4.1: 23,540 of 1,492,110 alleles (1.6%); highest among the groups gnomAD compares: African/African-American, 12%; 629 homozygotes.

Submissions (7):

Labcorp Genetics (formerly Invitae), Labcorp
Classification: Benign for Familial temporal lobe epilepsy 7; Norman-Roberts syndrome. Last evaluated: 2026-02-03. Review status: criteria provided, single submitter. Criteria: Invitae Variant Classification Sherloc (09022015). Collection method: clinical testing. Allele origin: germline.

Genome-Nilou Lab
Classification: Benign for Norman-Roberts syndrome. Last evaluated: 2021-11-07. Review status: criteria provided, single submitter. Criteria: ACMG Guidelines, 2015. Collection method: clinical testing. Allele origin: germline. Affected: no.

Illumina Laboratory Services, Illumina
Classification: Benign for Norman-Roberts syndrome. Last evaluated: 2018-01-12. Review status: criteria provided, single submitter. Criteria: ICSL Variant Classification Criteria 13 December 2019. Collection method: clinical testing. Allele origin: germline.
Comment: This variant was observed in the ICSL laboratory as part of a predisposition screen in an ostensibly healthy population. It had not been previously curated by ICSL or reported in the Human Gene Mutation Database (HGMD: prior to June 1st, 2018), and was therefore a candidate for classification through an automated scoring system. Utilizing variant allele frequency, disease prevalence and penetrance estimates, and inheritance mode, an automated score was calculated to assess if this variant is too frequent to cause the disease. Based on the score and internal cut-off values, a variant classified as benign is not then subjected to further curation. The score for this variant resulted in a classification of benign for this disease.

GeneDx
Classification: Benign. Last evaluated: 2014-03-31. Review status: criteria provided, single submitter. Criteria: GeneDx Variant Classification (06012015). Collection method: clinical testing. Allele origin: germline. Affected: yes.
Comment: This variant is considered likely benign or benign based on one or more of the following criteria: it is a conservative change, it occurs at a poorly conserved position in the protein, it is predicted to be benign by multiple in silico algorithms, and/or has population frequency not consistent with disease.

Breakthrough Genomics
Classification: Benign. Review status: criteria provided, single submitter. Criteria: ACMG Guidelines, 2015. Collection method: not provided. Allele origin: germline. Inheritance: Autosomal recessive inheritance. Affected: yes.

Clinical Genetics DNA and cytogenetics Diagnostics Lab, Erasmus MC, Erasmus Medical Center
Classification: Benign. Review status: no assertion criteria provided. Collection method: clinical testing. Allele origin: germline. Affected: yes. Study: VKGL Data-share Consensus. Not counted in ClinVar's aggregate classification.

Clinical Genetics, Academic Medical Center
Classification: Benign. Review status: no assertion criteria provided. Collection method: clinical testing. Allele origin: germline. Affected: yes. Study: VKGL Data-share Consensus. Not counted in ClinVar's aggregate classification.